The following is an entry in ClinVar:

NC_000015.9:g.(?_91346731)_(91358509_?)del

Gene: BLM (BLM RecQ like helicase; plus strand). Cytogenetic location: 15q26.1.
Variant type: Deletion.
Identifiers: ClinVar variation 3243688 (VCV003243688.1).

ClinVar aggregate classification (germline): Likely pathogenic (1 of 4 stars; one submission).

Conditions:
Bloom syndrome (BLM). Also called: Bloom-Torre-Machacek syndrome. Identifiers: Orphanet 125, MedGen C0005859, MONDO:0008876, OMIM 210900.

Submission:

Labcorp Genetics (formerly Invitae), Labcorp
Classification: Likely pathogenic for Bloom syndrome. Last evaluated: 2023-01-13. Review status: criteria provided, single submitter. Criteria: Invitae Variant Classification Sherloc (09022015). Collection method: clinical testing. Allele origin: unknown.
Comment: In summary, the currently available evidence indicates that the variant is pathogenic, but additional data are needed to prove that conclusively. Therefore, this variant has been classified as Likely Pathogenic. This deletion variant affects amino acid residues 1334-1349, which constitute the nuclear localization signal (NLS) of the BLM protein (PMID: 9388480) and are required for BLM interaction with topoisomerase I (TOP1) (PMID: 27657136). These residues have been shown in experimental studies to be critical for BLM localization to the nucleus (PMID: 9388480, 10569803, 27657136) and TOP1-mediated RNA:DNA unwinding (PMID: 27657136). This variant has not been reported in the literature in individuals affected with BLM-related conditions. This variant is a gross deletion of the genomic region encompassing exon(s) 18-22 of the BLM gene, which includes the termination codon. This deletion extends beyond the assayed region for this gene and therefore may encompass additional genes. While this deletion is not anticipated to lead to nonsense mediated decay, it is expected to alter mRNA translation or result in a truncated protein product.

Literature cited by the submitters: PubMed 9388480; PubMed 27657136; PubMed 10569803.